The following is an entry in ClinVar:

ClinVar aggregate classification (germline): Uncertain significance. Review status: criteria provided, multiple submitters, no conflicts (2 of 4 stars). 2 submissions from 2 submitters: Uncertain significance (2). Last evaluated 2022-10-25.

Conditions:
Intellectual developmental disorder, autosomal dominant 1. Also called: MBD5 Haploinsufficiency; Intellectual disability, autosomal dominant 1. Identifiers: Orphanet 228402, MedGen C1969562, MONDO:0007974, OMIM 156200.

Submissions (2):

Labcorp Genetics (formerly Invitae), Labcorp
Classification: Uncertain significance for Intellectual developmental disorder, autosomal dominant 1. Last evaluated: 2022-10-25. Review status: criteria provided, single submitter. Criteria: Invitae Variant Classification Sherloc (09022015). Collection method: clinical testing. Allele origin: germline.
Comment: This sequence change replaces glycine, which is neutral and non-polar, with valine, which is neutral and non-polar, at codon 3 of the MBD5 protein (p.Gly3Val). This variant is not present in population databases (gnomAD no frequency). This variant has not been reported in the literature in individuals affected with MBD5-related conditions. ClinVar contains an entry for this variant (Variation ID: 198229). Advanced modeling of protein sequence and biophysical properties (such as structural, functional, and spatial information, amino acid conservation, physicochemical variation, residue mobility, and thermodynamic stability) has been performed at Invitae for this missense variant, however the output from this modeling did not meet the statistical confidence thresholds required to predict the impact of this variant on MBD5 protein function. In summary, the available evidence is currently insufficient to determine the role of this variant in disease. Therefore, it has been classified as a Variant of Uncertain Significance.

Eurofins Ntd Llc (ga)
Classification: Uncertain significance. Last evaluated: 2015-04-03. Review status: criteria provided, single submitter. Criteria: EGL Classification Definitions 2015. Collection method: clinical testing. Allele origin: germline. Observed: 2 variant alleles, 2 heterozygotes.

NM_001378120.1(MBD5):c.8G>T (p.Gly3Val)

Gene: MBD5 (methyl-CpG binding domain protein 5; plus strand). Cytogenetic location: 2q23.1.
Variant type: single nucleotide variant.
Coding change: c.8G>T on transcript NM_001378120.1 (MANE Select); coding-DNA position 8, G replaced by T.
Protein change: p.Gly3Val; replaces glycine 3 with valine.
Molecular consequence: missense variant.
Genome position (GRCh38, 1-based): chr2:148,458,766, G>T. VCF-style: chr2-148458766-G-T. GRCh37 (hg19) VCF-style: chr2-149216335-G-T.
Other names: c.8G>T, p.Gly3Val (NM_018328.5); short protein forms G3V.
Identifiers: ClinVar variation 198229 (VCV000198229.9), dbSNP rs794727807, ClinGen allele CA246772.